The following is an entry in ClinVar:

ClinVar aggregate classification (germline): Uncertain significance (1 of 4 stars; one submission).

Submission:

GeneDx
Classification: Uncertain significance. Last evaluated: 2023-09-09. Review status: criteria provided, single submitter. Criteria: GeneDx Variant Classification Process June 2021. Collection method: clinical testing. Allele origin: germline. Affected: yes.
Comment: Not observed at significant frequency in large population cohorts (gnomAD); In silico analysis supports that this missense variant has a deleterious effect on protein structure/function; Has not been previously published as pathogenic or benign to our knowledge; Variants in candidate genes are classified as variants of uncertain significance in accordance with ACMG guidelines (Richards et al., 2015)

NM_032999.4(GTF2I):c.172G>A (p.Gly58Arg)

Genes: GTF2I (general transcription factor IIi; plus strand), GTF2I-AS1 (GTF2I antisense RNA 1; minus strand). Cytogenetic location: 7q11.23.
Variant type: single nucleotide variant.
Coding change: c.172G>A on transcript NM_032999.4 (MANE Select); coding-DNA position 172, G replaced by A.
Protein change: p.Gly58Arg; replaces glycine 58 with arginine.
Molecular consequence: missense variant.
Genome position (GRCh38, 1-based): chr7:74,691,045, G>A. VCF-style: chr7-74691045-G-A. GRCh37 (hg19) VCF-style: chr7-74105377-G-A.
Other names: c.172G>A, p.Gly58Arg (NM_001163636.3, NM_001280800.2, NM_001518.5 and 2 more transcripts); short protein forms G58R.
Identifiers: ClinVar variation 4527012 (VCV004527012.1).